The following is an entry in ClinVar:

NM_020937.4(FANCM):c.4258G>C (p.Asp1420His)

Gene: FANCM (FA complementation group M; plus strand). Cytogenetic location: 14q21.2.
Variant type: single nucleotide variant.
Coding change: c.4258G>C on transcript NM_020937.4 (MANE Select); coding-DNA position 4258, G replaced by C.
Protein change: p.Asp1420His; replaces aspartic acid 1420 with histidine.
Molecular consequence: missense variant.
Genome position (GRCh38, 1-based): chr14:45,181,465, G>C. VCF-style: chr14-45181465-G-C. GRCh37 (hg19) VCF-style: chr14-45650668-G-C.
Other names: c.4180G>C, p.Asp1394His (NM_001308133.2); short protein forms D1394H, D1420H.
Identifiers: ClinVar variation 2681928 (VCV002681928.2), dbSNP rs2503213197, ClinGen allele CA389606971.
Genomic context (GRCh38, chr14:45,181,465, plus strand): 5'-CATTATTTTAAAAAATAAATTATAGATGGACAATTATTAACAAGTAACGAAAGTGAAGAT[G>C]ACGAGATTTTCCGAAGAAAAGTTAAAAGAGCAAAAGGAAATGTTTTAAACTCTCCTGAGG-3'
Protein context (NP_065988.1, residues 1410-1430): QLLTSNESED[Asp1420His]EIFRRKVKRA

ClinVar aggregate classification (germline): Uncertain significance. Review status: criteria provided, multiple submitters, no conflicts (2 of 4 stars). 2 submissions from 2 submitters: Uncertain significance (2). Last evaluated 2025-09-29.

Conditions:
Fanconi anemia (FA). Also called: Fanconi's anemia. Identifiers: Orphanet 84, MedGen C0015625, MeSH D005199, MONDO:0019391.

Submissions (2):

Labcorp Genetics (formerly Invitae), Labcorp
Classification: Uncertain significance for Fanconi anemia. Last evaluated: 2025-09-29. Review status: criteria provided, single submitter. Criteria: Invitae Variant Classification Sherloc (09022015). Collection method: clinical testing. Allele origin: germline.
Comment: This sequence change replaces aspartic acid, which is acidic and polar, with histidine, which is basic and polar, at codon 1420 of the FANCM protein (p.Asp1420His). This variant is not present in population databases (gnomAD no frequency). This variant has not been reported in the literature in individuals affected with FANCM-related conditions. ClinVar contains an entry for this variant (Variation ID: 2681928). An algorithm developed to predict the effect of missense changes on protein structure and function (PolyPhen-2) suggests that this variant is likely to be disruptive. In summary, the available evidence is currently insufficient to determine the role of this variant in disease. Therefore, it has been classified as a Variant of Uncertain Significance.

Quest Diagnostics Nichols Institute San Juan Capistrano
Classification: Uncertain significance. Last evaluated: 2023-07-07. Review status: criteria provided, single submitter. Criteria: Quest Diagnostics criteria. Collection method: clinical testing. Allele origin: unknown.
Comment: To the best of our knowledge, this variant has not been reported in the published literature. It also has not been reported in large, multi-ethnic general populations (Genome Aggregation Database). Analysis of this variant using bioinformatics tools for the prediction of the effect of amino acid changes on protein structure and function yielded conflicting predictions that this variant is benign or damaging. Based on the available information, we are unable to determine the clinical significance of this variant.